The following is an entry in ClinVar:

ClinVar aggregate classification (germline): Uncertain significance (1 of 4 stars; one submission).

Conditions:
Cardiovascular phenotype. Identifiers: MedGen CN230736.

gnomAD v4.1: 1 of 1,610,898 alleles (0.000062%); highest among the groups gnomAD compares: Non-Finnish European, 0.000085%; no homozygotes.

Submission:

Ambry Genetics
Classification: Uncertain significance for Cardiovascular phenotype. Last evaluated: 2025-05-08. Review status: criteria provided, single submitter. Criteria: Ambry Variant Classification Scheme 2023. Collection method: clinical testing. Allele origin: germline.
Comment: The p.E366Q variant (also known as c.1096G>C), located in coding exon 13 of the TXNRD2 gene, results from a G to C substitution at nucleotide position 1096. The glutamic acid at codon 366 is replaced by glutamine, an amino acid with highly similar properties. This amino acid position is conserved. In addition, the in silico prediction for this alteration is inconclusive. Based on the available evidence, the clinical significance of this variant remains unclear.

NM_006440.5(TXNRD2):c.1096G>C (p.Glu366Gln)

Gene: TXNRD2 (thioredoxin reductase 2; minus strand). Cytogenetic location: 22q11.21.
Variant type: single nucleotide variant.
Coding change: c.1096G>C on transcript NM_006440.5 (MANE Select); coding-DNA position 1096, G replaced by C.
Protein change: p.Glu366Gln; replaces glutamic acid 366 with glutamine.
Molecular consequence: missense variant. On other transcripts: non-coding transcript variant (1).
Genome position (GRCh38, 1-based): chr22:19,880,708, C>G on the plus strand (G>C on the coding strand, the complement: TXNRD2 is on the minus strand). VCF-style: chr22-19880708-C-G. GRCh37 (hg19) VCF-style: chr22-19868231-C-G.
Other names: c.1093G>C, p.Glu365Gln (NM_001352300.2); c.1006G>C, p.Glu336Gln (NM_001352301.2); c.808G>C, p.Glu270Gln (NM_001352302.2); short protein forms E270Q, E365Q, E366Q, E336Q.
Identifiers: ClinVar variation 3976397 (VCV003976397.1).